The following is an entry in ClinVar:

ClinVar aggregate classification (germline): Uncertain significance (1 of 4 stars; one submission).

Allele frequency attached by ClinVar (database versions not stated): ExAC 0.00001; TOPMed 0.00005; gnomAD exomes 0.00003; gnomAD 0.00005.
gnomAD v4.1: 43 of 1,607,702 alleles (0.0027%); highest among the groups gnomAD compares: East Asian, 0.043%; no homozygotes.

Submission:

Labcorp Genetics (formerly Invitae), Labcorp
Classification: Uncertain significance. Last evaluated: 2025-06-09. Review status: criteria provided, single submitter. Criteria: Invitae Variant Classification Sherloc (09022015). Collection method: clinical testing. Allele origin: germline.
Comment: This sequence change replaces valine, which is neutral and non-polar, with isoleucine, which is neutral and non-polar, at codon 402 of the ERMARD protein (p.Val402Ile). This variant is present in population databases (rs571271480, gnomAD 0.005%). This variant has not been reported in the literature in individuals affected with ERMARD-related conditions. ClinVar contains an entry for this variant (Variation ID: 2908115). Invitae Evidence Modeling of protein sequence and biophysical properties (such as structural, functional, and spatial information, amino acid conservation, physicochemical variation, residue mobility, and thermodynamic stability) indicates that this missense variant is not expected to disrupt ERMARD protein function with a negative predictive value of 80%. In summary, the available evidence is currently insufficient to determine the role of this variant in disease. Therefore, it has been classified as a Variant of Uncertain Significance.

NM_018341.3(ERMARD):c.1204G>A (p.Val402Ile)

Gene: ERMARD (ER membrane associated RNA degradation; plus strand). Cytogenetic location: 6q27.
Variant type: single nucleotide variant.
Coding change: c.1204G>A on transcript NM_018341.3 (MANE Select); coding-DNA position 1204, G replaced by A.
Protein change: p.Val402Ile; replaces valine 402 with isoleucine.
Molecular consequence: missense variant.
Genome position (GRCh38, 1-based): chr6:169,769,684, G>A. VCF-style: chr6-169769684-G-A. GRCh37 (hg19) VCF-style: chr6-170169780-G-A.
Other names: c.1204G>A, p.Val402Ile (NM_001278531.2, NM_001278533.2); c.826G>A, p.Val276Ile (NM_001278532.2); c.796G>A, p.Val266Ile (NM_001410957.1); short protein forms V276I, V402I, V266I.
Identifiers: ClinVar variation 2908115 (VCV002908115.3), dbSNP rs571271480, ClinGen allele CA4106152.